The following is an entry in ClinVar:

ClinVar aggregate classification (germline): Likely pathogenic (1 of 4 stars; one submission).

Submission:

Labcorp Genetics (formerly Invitae), Labcorp
Classification: Likely pathogenic. Last evaluated: 2021-11-29. Review status: criteria provided, single submitter. Criteria: Invitae Variant Classification Sherloc (09022015). Collection method: clinical testing. Allele origin: germline.
Comment: In summary, the currently available evidence indicates that the variant is pathogenic, but additional data are needed to prove that conclusively. Therefore, this variant has been classified as Likely Pathogenic. This variant disrupts the p.Cys205 (also known as p.Cys183) amino acid residue in SERPING1. Other variant(s) that disrupt this residue have been determined to be pathogenic (PMID: 10719305; Invitae). This suggests that this residue is clinically significant, and that variants that disrupt this residue are likely to be disease-causing. Advanced modeling of protein sequence and biophysical properties (such as structural, functional, and spatial information, amino acid conservation, physicochemical variation, residue mobility, and thermodynamic stability) performed at Invitae indicates that this missense variant is expected to disrupt SERPING1 protein function. This missense change has been observed in individual(s) with hereditary angioedema type 1 (Invitae). This variant is not present in population databases (gnomAD no frequency). This sequence change replaces cysteine, which is neutral and slightly polar, with tryptophan, which is neutral and slightly polar, at codon 205 of the SERPING1 protein (p.Cys205Trp).

Literature cited by the submitters: PubMed 10719305.

NM_000062.3(SERPING1):c.615T>G (p.Cys205Trp)

Gene: SERPING1 (serpin family G member 1; plus strand). Cytogenetic location: 11q12.1.
Variant type: single nucleotide variant.
Coding change: c.615T>G on transcript NM_000062.3 (MANE Select); coding-DNA position 615, T replaced by G.
Protein change: p.Cys205Trp; replaces cysteine 205 with tryptophan.
Molecular consequence: missense variant.
Genome position (GRCh38, 1-based): chr11:57,602,099, T>G. VCF-style: chr11-57602099-T-G. GRCh37 (hg19) VCF-style: chr11-57369572-T-G.
Other names: c.615T>G, p.Cys205Trp (NM_001032295.2); short protein forms C205W.
Identifiers: ClinVar variation 1486970 (VCV001486970.6), dbSNP rs1274312627, ClinGen allele CA380697108.